The following is an entry in ClinVar:

NM_199420.4(POLQ):c.3517A>G (p.Ile1173Val)

Gene: POLQ (DNA polymerase theta; minus strand). Cytogenetic location: 3q13.33.
Variant type: single nucleotide variant.
Coding change: c.3517A>G on transcript NM_199420.4 (MANE Select); coding-DNA position 3517, A replaced by G.
Protein change: p.Ile1173Val; replaces isoleucine 1173 with valine.
Molecular consequence: missense variant.
Genome position (GRCh38, 1-based): chr3:121,489,414, T>C on the plus strand (A>G on the coding strand, the complement: POLQ is on the minus strand). VCF-style: chr3-121489414-T-C. GRCh37 (hg19) VCF-style: chr3-121208261-T-C.
Other names: short protein forms I1173V.
Identifiers: ClinVar variation 1732214 (VCV001732214.2), dbSNP rs2546787301, ClinGen allele CA354099539.

ClinVar aggregate classification (germline): Uncertain significance (1 of 4 stars; one submission).

Submission:

Ambry Genetics
Classification: Uncertain significance. Last evaluated: 2021-10-07. Review status: criteria provided, single submitter. Criteria: Ambry Variant Classification Scheme 2023. Collection method: clinical testing. Allele origin: germline.
Comment: The p.I1173V variant (also known as c.3517A>G), located in coding exon 16 of the POLQ gene, results from an A to G substitution at nucleotide position 3517. The isoleucine at codon 1173 is replaced by valine, an amino acid with highly similar properties. This amino acid position is conserved. In addition, this alteration is predicted to be tolerated by in silico analysis. Since supporting evidence is limited at this time, the clinical significance of this alteration remains unclear.